The following is an entry in ClinVar:

ClinVar aggregate classification (germline): Likely pathogenic (1 of 4 stars; one submission).

Conditions:
Intellectual developmental disorder, autosomal dominant 71, with behavioral abnormalities (MRD71). Identifiers: MedGen C5830437, MONDO:0957228, OMIM 620330.

Submission:

Victorian Clinical Genetics Services, Murdoch Childrens Research Institute
Classification: Likely pathogenic for Intellectual developmental disorder, autosomal dominant 71, with behavioral abnormalities. Last evaluated: 2026-07-10. Review status: criteria provided, single submitter. Criteria: ACMG Guidelines, 2015. Collection method: clinical testing. Allele origin: germline. Affected: yes.
Comment: This variant is classified as Likely pathogenic. Evidence in support of pathogenic classification: Variant is predicted to result in a truncated protein (premature termination codon is NOT located at least 54 nucleotides upstream of the final exon-exon junction) with at least 1/3 of the protein sequence affected; Variant is present in gnomAD <0.001 for a dominant condition (v4: 2 heterozygote(s), 0 homozygote(s)); This variant has limited previous evidence of pathogenicity in an unrelated individual. This variant has been reported in an individual with intellectual developmental disorder and behavioural abnormalities (PMID: 33658631); Other protein truncating variants comparable to the one identified in this case have very strong previous evidence for pathogenicity and have been reported in individuals with intellectual developmental disorder and behavioural abnormalities (DECIPHER, PMIDs: 33658631, 39007708). Evidence in support of benign classification: Non-segregation of this variant with the phenotype under investigation has been clearly demonstrated. This variant have been shown to be present in multiple unaffected paternal family members (personal communication). Additional information: This variant is heterozygous; This gene is associated with autosomal dominant disease; No published functional evidence has been identified for this variant; The mechanism of disease for autosomal dominant intellectual developmental disorder 71 with behavioural abnormalities (MIM#620330) is not clearly established. However, loss of function is a suggested mechanism (PMID: 33658631).

Literature cited by the submitters: PubMed 39007708; PubMed 33658631.

NM_022841.7(RFX7):c.1399_1400del (p.Met467fs)

Gene: RFX7 (regulatory factor X7; minus strand). Cytogenetic location: 15q21.3.
Variant type: Deletion.
Coding change: c.1399_1400del on transcript NM_022841.7 (MANE Select); coding-DNA positions 1399 to 1400, 2 bases deleted (AT; older notation c.1399_1400delAT).
Protein change: p.Met467fs; shifts the reading frame from methionine 467.
Molecular consequence: frameshift variant.
Genome position (GRCh38, 1-based): chr15:56,096,328-56,096,329, AT deleted on the plus strand (AT on the coding strand, the reverse complement: RFX7 is on the minus strand). VCF-style (leftmost placement, unchanged base first): chr15-56096327-CAT-C. GRCh37 (hg19) VCF-style: chr15-56388525-CAT-C.
Other names: c.1108_1109del, p.Met370fs (NM_001368073.2, NM_001368074.1, NM_001370554.1); c.1399_1400del, p.Met467fs (NM_001370561.1); short protein forms M370fs, M467fs.
Identifiers: ClinVar variation 3376854 (VCV003376854.2).